The following is an entry in ClinVar:

NM_000038.6(APC):c.6109G>T (p.Asp2037Tyr)

Gene: APC (APC regulator of WNT signaling pathway; plus strand). Cytogenetic location: 5q22.2.
Variant type: single nucleotide variant.
Coding change: c.6109G>T on transcript NM_000038.6 (MANE Select); coding-DNA position 6109, G replaced by T.
Protein change: p.Asp2037Tyr; replaces aspartic acid 2037 with tyrosine.
Molecular consequence: missense variant. On other transcripts: non-coding transcript variant (2).
Genome position (GRCh38, 1-based): chr5:112,841,703, G>T. VCF-style: chr5-112841703-G-T. GRCh37 (hg19) VCF-style: chr5-112177400-G-T.
Other names: c.6109G>T, p.Asp2037Tyr (NM_001127510.3, NM_001354895.2, NM_001407450.1); c.6055G>T, p.Asp2019Tyr (NM_001127511.3); c.6163G>T, p.Asp2055Tyr (NM_001354896.2, NM_001407447.1, NM_001407448.1 and 1 more transcripts); c.6139G>T, p.Asp2047Tyr (NM_001354897.2); c.6034G>T, p.Asp2012Tyr (NM_001354898.2); c.6025G>T, p.Asp2009Tyr (NM_001354899.2); c.5986G>T, p.Asp1996Tyr (NM_001354900.2); c.5932G>T, p.Asp1978Tyr (NM_001354901.2, NM_001407453.1); and 11 more; short protein forms D1653Y, D1754Y, D1877Y, D1908Y, D1911Y, D1936Y, D1946Y, D1954Y.
Identifiers: ClinVar variation 3386954 (VCV003386954.1).

ClinVar aggregate classification (germline): Uncertain significance (1 of 4 stars; one submission).

Conditions:
Classic or attenuated familial adenomatous polyposis. Identifiers: MedGen CN372698, MONDO:0021057.

Submission:

All of Us Research Program, National Institutes of Health
Classification: Uncertain significance for Classic or attenuated familial adenomatous polyposis. Last evaluated: 2024-08-06. Review status: criteria provided, single submitter. Criteria: ACMG Guidelines, 2015. Collection method: clinical testing. Allele origin: germline. Inheritance: Autosomal dominant inheritance. Observed: 1 variant allele, 1 heterozygote.
Comment: This study involves interpretation of variants in research participants for the purpose of population health screening. Participant phenotype was not available at the time of variant classification. Additional details can be found in publication PMID: 35346344, PMCID: PMC8962531